The following is an entry in ClinVar:

NM_000186.4(CFH):c.582C>T (p.Asp194=)

Gene: CFH (complement factor H; plus strand). Cytogenetic location: 1q31.3.
Variant type: single nucleotide variant.
Coding change: c.582C>T on transcript NM_000186.4 (MANE Select); coding-DNA position 582, C replaced by T.
Protein change: p.Asp194=; no amino-acid change (aspartic acid 194 retained).
Molecular consequence: synonymous variant.
Genome position (GRCh38, 1-based): chr1:196,677,630, C>T. VCF-style: chr1-196677630-C-T. GRCh37 (hg19) VCF-style: chr1-196646760-C-T.
Other names: c.582C>T, p.Asp194= (NM_001014975.3).
Identifiers: ClinVar variation 2420168 (VCV002420168.8), dbSNP rs573136624, ClinGen allele CA1305092.

ClinVar aggregate classification (germline): Likely benign. Review status: criteria provided, multiple submitters, no conflicts (2 of 4 stars). 2 submissions from 2 submitters: Likely benign (2). Last evaluated 2025-10-02.

Conditions:
Age related macular degeneration 4. Identifiers: MedGen C1853147, MONDO:0012540, OMIM 610698.
Atypical hemolytic-uremic syndrome. Identifiers: Orphanet 2134, MedGen C2931788, MONDO:0016244.
Basal laminar drusen. Also called: DRUSEN OF BRUCH MEMBRANE; DRUSEN, CUTICULAR; DRUSEN, EARLY ADULT-ONSET, GROUPED. Identifiers: Orphanet 75376, MedGen C0730295, MONDO:0007472, OMIM 126700.
Factor H deficiency (CFHD). Also called: COMPLEMENT FACTOR H DEFICIENCY; CFH DEFICIENCY. Identifiers: Orphanet 200421, MedGen C0398777, MONDO:0012350, OMIM 609814.

Allele frequency attached by ClinVar (database versions not stated): ExAC 0.00002; TOPMed 0.00004; 1000 Genomes Project 30x 0.00016; 1000 Genomes Project 0.00020.
gnomAD v4.1: 24 of 1,612,904 alleles (0.0015%); highest among the groups gnomAD compares: East Asian, 0.0089%; no homozygotes.

Submissions (2):

Genomenon, Inc
Classification: Likely benign for Basal laminar drusen; Age related macular degeneration 4; Atypical hemolytic-uremic syndrome; Factor H deficiency. Last evaluated: 2025-10-02. Review status: criteria provided, single submitter. Criteria: Genomenon Sequence Variant Interpretation Standards - Updated. Collection method: curation. Allele origin: germline. Affected: no.
Comment: CFH p.Asp194= (c.582C>T) is a synonymous variant that retains Aspartic acid at residue 194. This variant has been reported in the published literature (PMID:24453474). This synonymous variant is not predicted to impact splicing. It is absent or not present at a significant frequency in gnomAD. In conclusion, we classify CFH p.Asp194= (c.582C>T) as a likely benign variant.

Labcorp Genetics (formerly Invitae), Labcorp
Classification: Likely benign. Last evaluated: 2022-04-16. Review status: criteria provided, single submitter. Criteria: Invitae Variant Classification Sherloc (09022015). Collection method: clinical testing. Allele origin: germline.

Literature cited by the submitters: PubMed 24453474 (cited by Genomenon, Inc).